The following is an entry in ClinVar:

NM_014314.4(RIGI):c.1609G>A (p.Ala537Thr)

Gene: RIGI (RNA sensor RIG-I; minus strand). Cytogenetic location: 9p21.1.
Variant type: single nucleotide variant.
Coding change: c.1609G>A on transcript NM_014314.4 (MANE Select); coding-DNA position 1609, G replaced by A.
Protein change: p.Ala537Thr; replaces alanine 537 with threonine.
Molecular consequence: missense variant.
Genome position (GRCh38, 1-based): chr9:32,481,369, C>T on the plus strand (G>A on the coding strand, the complement: RIGI is on the minus strand). VCF-style: chr9-32481369-C-T. GRCh37 (hg19) VCF-style: chr9-32481367-C-T.
Other names: c.1603G>A, p.Ala535Thr (NM_001385907.1); c.1609G>A, p.Ala537Thr (NM_001385909.1); c.1168G>A, p.Ala390Thr (NM_001385910.1); c.1000G>A, p.Ala334Thr (NM_001385912.1); c.1594G>A, p.Ala532Thr (NM_001385913.1); c.1165G>A, p.Ala389Thr (NM_001385914.1); short protein forms A390T, A334T, A532T, A535T, A537T, A389T.
Identifiers: ClinVar variation 3154288 (VCV003154288.3), dbSNP rs371259089, ClinGen allele CA5019750.

ClinVar aggregate classification (germline): Uncertain significance. Review status: criteria provided, multiple submitters, no conflicts (2 of 4 stars). 2 submissions from 2 submitters: Uncertain significance (2). Last evaluated 2024-05-22.

Conditions:
Inborn genetic diseases. Identifiers: MedGen C0950123, MeSH D030342.

gnomAD v4.1: 40 of 1,613,610 alleles (0.0025%); highest among the groups gnomAD compares: Non-Finnish European, 0.0034%; no homozygotes.

Submissions (2):

Labcorp Genetics (formerly Invitae), Labcorp
Classification: Uncertain significance. Last evaluated: 2024-05-22. Review status: criteria provided, single submitter. Criteria: Invitae Variant Classification Sherloc (09022015). Collection method: clinical testing. Allele origin: germline.
Comment: This sequence change replaces alanine, which is neutral and non-polar, with threonine, which is neutral and polar, at codon 537 of the DDX58 protein (p.Ala537Thr). This variant is present in population databases (rs371259089, gnomAD 0.002%). This variant has not been reported in the literature in individuals affected with DDX58-related conditions. Algorithms developed to predict the effect of missense changes on protein structure and function output the following: SIFT: "Not Available"; PolyPhen-2: "Benign"; Align-GVGD: "Not Available". The threonine amino acid residue is found in multiple mammalian species, which suggests that this missense change does not adversely affect protein function. In summary, the available evidence is currently insufficient to determine the role of this variant in disease. Therefore, it has been classified as a Variant of Uncertain Significance.

Ambry Genetics
Classification: Uncertain significance for Inborn genetic diseases. Last evaluated: 2022-01-26. Review status: criteria provided, single submitter. Criteria: Ambry Variant Classification Scheme 2023. Collection method: clinical testing. Allele origin: germline.